The following is an entry in ClinVar:

ClinVar aggregate classification (germline): Likely pathogenic (1 of 4 stars; one submission).

Conditions:
Hereditary hyperekplexia. Identifiers: Orphanet 3197, MedGen C4084968, MONDO:0021022.

Submission:

Labcorp Genetics (formerly Invitae), Labcorp
Classification: Likely pathogenic for Hereditary hyperekplexia. Last evaluated: 2025-11-03. Review status: criteria provided, single submitter. Criteria: Invitae Variant Classification Sherloc (09022015). Collection method: clinical testing. Allele origin: germline.
Comment: This sequence change affects a splice site in intron 6 of the GLRA1 gene. It is expected to disrupt RNA splicing. Variants that disrupt the donor or acceptor splice site typically lead to a loss of protein function (PMID: 16199547), and loss-of-function variants in GLRA1 are known to be pathogenic (PMID: 20631190, 24108130). This variant is not present in population databases (gnomAD no frequency). This variant has not been reported in the literature in individuals affected with GLRA1-related conditions. ClinVar contains an entry for this variant (Variation ID: 969774). Algorithms developed to predict the effect of sequence changes on RNA splicing suggest that this variant may disrupt the consensus splice site. In summary, the currently available evidence indicates that the variant is pathogenic, but additional data are needed to prove that conclusively. Therefore, this variant has been classified as Likely Pathogenic.

Literature cited by the submitters: PubMed 16199547; PubMed 20631190; PubMed 24108130.

NM_000171.4(GLRA1):c.698-2del

Gene: GLRA1 (glycine receptor alpha 1; minus strand). Cytogenetic location: 5q33.1.
Variant type: Deletion.
Coding change: c.698-2del on transcript NM_000171.4 (MANE Select); the canonical splice acceptor site of the intron before coding-DNA position 698, one base deleted (A; older notation c.698-2delA).
Molecular consequence: splice acceptor variant.
Genome position (GRCh38, 1-based): chr5:151,851,606, T deleted on the plus strand (A on the coding strand, the reverse complement: GLRA1 is on the minus strand). VCF-style (leftmost placement, unchanged base first): chr5-151851605-CT-C. GRCh37 (hg19) VCF-style: chr5-151231166-CT-C.
Other names: c.449-2del (NM_001292000.2); c.698-2del (NM_001146040.2).
Identifiers: ClinVar variation 969774 (VCV000969774.2), dbSNP rs1752914673, ClinGen allele CA1139658893.